The following is an entry in ClinVar:

ClinVar aggregate classification (germline): Benign. Review status: criteria provided, multiple submitters, no conflicts (2 of 4 stars). 13 submissions from 13 submitters: Benign (10). 3 of the submissions do not count toward it. Last evaluated 2026-02-03.

Conditions:
Hereditary insensitivity to pain with anhidrosis (CIPA). Also called: NEUROPATHY, CONGENITAL SENSORY, WITH ANHIDROSIS; hereditary sensory and autonomic neuropathy type 4; FAMILIAL DYSAUTONOMIA, TYPE II; NTRK1 Congenital Insensitivity to Pain with Anhidrosis; INSENSITIVITY TO PAIN, CONGENITAL, WITH ANHIDROSIS; HSAN Type IV. Identifiers: Orphanet 642, MedGen C0020074, MONDO:0009746, OMIM 256800.

Allele frequency attached by ClinVar (database versions not stated): ExAC 0.01271; gnomAD 0.03207 and 0.03397; TOPMed 0.03632; ESP Exome Variant Server 0.03853; 1000 Genomes Project 0.04233; 1000 Genomes Project 30x 0.04669.
gnomAD v4.1: 14,007 of 1,613,056 alleles (0.87%); highest among the groups gnomAD compares: African/African-American, 11%; 480 homozygotes.

Submissions (13):

Labcorp Genetics (formerly Invitae), Labcorp
Classification: Benign for Hereditary insensitivity to pain with anhidrosis. Last evaluated: 2026-02-03. Review status: criteria provided, single submitter. Criteria: Invitae Variant Classification Sherloc (09022015). Collection method: clinical testing. Allele origin: germline.

ARUP Laboratories, Molecular Genetics and Genomics, ARUP Laboratories
Classification: Benign for Hereditary insensitivity to pain with anhidrosis. Last evaluated: 2024-11-04. Review status: criteria provided, single submitter. Criteria: ARUP Molecular Germline Variant Investigation Process 2024. Collection method: clinical testing. Allele origin: germline.

Genomic Medicine Center of Excellence, King Faisal Specialist Hospital and Research Centre
Classification: Benign for Hereditary insensitivity to pain with anhidrosis. Last evaluated: 2024-09-22. Review status: criteria provided, single submitter. Criteria: ACMG Guidelines, 2015. Collection method: clinical testing. Allele origin: germline.

KCCC/NGS Laboratory, Kuwait Cancer Control Center
Classification: Benign for Hereditary insensitivity to pain with anhidrosis. Last evaluated: 2023-07-07. Review status: criteria provided, single submitter. Criteria: ACMG Guidelines, 2015. Collection method: clinical testing. Allele origin: germline. Affected: yes.

Genome-Nilou Lab
Classification: Benign for Hereditary insensitivity to pain with anhidrosis. Last evaluated: 2023-04-11. Review status: criteria provided, single submitter. Criteria: ACMG Guidelines, 2015. Collection method: clinical testing. Allele origin: germline. Affected: no.

Athena Diagnostics
Classification: Benign. Last evaluated: 2021-03-02. Review status: criteria provided, single submitter. Criteria: Athena Diagnostics criteria. Collection method: clinical testing. Allele origin: unknown.

Illumina Laboratory Services, Illumina
Classification: Benign for Hereditary insensitivity to pain with anhidrosis. Last evaluated: 2018-01-13. Review status: criteria provided, single submitter. Criteria: ICSL Variant Classification Criteria 13 December 2019. Collection method: clinical testing. Allele origin: germline.
Comment: This variant was observed in the ICSL laboratory as part of a predisposition screen in an ostensibly healthy population. It had not been previously curated by ICSL or reported in the Human Gene Mutation Database (HGMD: prior to June 1st, 2018), and was therefore a candidate for classification through an automated scoring system. Utilizing variant allele frequency, disease prevalence and penetrance estimates, and inheritance mode, an automated score was calculated to assess if this variant is too frequent to cause the disease. Based on the score and internal cut-off values, a variant classified as benign is not then subjected to further curation. The score for this variant resulted in a classification of benign for this disease.

Mayo Clinic Laboratories, Mayo Clinic
Classification: Benign. Last evaluated: 2016-11-25. Review status: criteria provided, single submitter. Criteria: ACMG Guidelines, 2015. Collection method: clinical testing. Allele origin: germline. Observed: 18 variant alleles.

GeneDx
Classification: Benign. Last evaluated: 2015-03-03. Review status: criteria provided, single submitter. Criteria: GeneDx Variant Classification Process June 2021. Collection method: clinical testing. Allele origin: germline. Affected: yes.

Breakthrough Genomics
Classification: Benign. Review status: criteria provided, single submitter. Criteria: ACMG Guidelines, 2015. Collection method: not provided. Allele origin: germline. Inheritance: Autosomal recessive inheritance. Affected: yes.

Natera, Inc.
Classification: Benign for Hereditary insensitivity to pain with anhidrosis. Last evaluated: 2020-09-16. Review status: no assertion criteria provided. Collection method: clinical testing. Allele origin: germline. Not counted in ClinVar's aggregate classification.

Clinical Genetics, Academic Medical Center
Classification: Benign. Review status: no assertion criteria provided. Collection method: clinical testing. Allele origin: germline. Affected: yes. Study: VKGL Data-share Consensus. Not counted in ClinVar's aggregate classification.

Genome Diagnostics Laboratory, University Medical Center Utrecht
Classification: Benign. Review status: no assertion criteria provided. Collection method: clinical testing. Allele origin: germline. Affected: yes. Study: VKGL Data-share Consensus. Not counted in ClinVar's aggregate classification.

NM_002529.4(NTRK1):c.1860C>T (p.Gly620=)

Gene: NTRK1 (neurotrophic receptor tyrosine kinase 1; plus strand). Cytogenetic location: 1q23.1.
Variant type: single nucleotide variant.
Coding change: c.1860C>T on transcript NM_002529.4 (MANE Select); coding-DNA position 1860, C replaced by T.
Protein change: p.Gly620=; no amino-acid change (glycine 620 retained).
Molecular consequence: synonymous variant.
Genome position (GRCh38, 1-based): chr1:156,879,176, C>T. VCF-style: chr1-156879176-C-T. GRCh37 (hg19) VCF-style: chr1-156848968-C-T.
Other names: p.Gly614=; c.1752C>T, p.Gly584= (NM_001007792.1); c.1842C>T, p.Gly614= (NM_001012331.2).
Identifiers: ClinVar variation 292893 (VCV000292893.35), dbSNP rs6338, ClinGen allele CA1169502.